The following is an entry in ClinVar:

NM_001110556.2(FLNA):c.3995A>G (p.Asp1332Gly)

Gene: FLNA (filamin A; minus strand). Cytogenetic location: Xq28.
Variant type: single nucleotide variant.
Coding change: c.3995A>G on transcript NM_001110556.2 (MANE Select); coding-DNA position 3995, A replaced by G.
Protein change: p.Asp1332Gly; replaces aspartic acid 1332 with glycine.
Molecular consequence: missense variant.
Genome position (GRCh38, 1-based): chrX:154,359,631, T>C on the plus strand (A>G on the coding strand, the complement: FLNA is on the minus strand). VCF-style: chrX-154359631-T-C. GRCh37 (hg19) VCF-style: chrX-153587999-T-C.
Other names: p.Asp1332Gly; c.3995A>G (NM_001110556.1); c.3995A>G, p.Asp1332Gly (NM_001456.4); short protein forms D1332G.
Identifiers: ClinVar variation 264534 (VCV000264534.55), dbSNP rs200615848, ClinGen allele CA10560614.

ClinVar aggregate classification (germline): Conflicting classifications of pathogenicity. Review status: criteria provided, conflicting classifications (1 of 4 stars). 9 submissions from 9 submitters: Uncertain significance (1); Benign (1); Likely benign (5). 2 of the submissions do not count toward it. Last evaluated 2026-01-27.

Conditions:
Oto-palato-digital syndrome, type II (OPD2). Also called: FACIOPALATOOSSEOUS SYNDROME; OPD II SYNDROME; Otopalatodigital Syndrome Type 2 (FLNA-OPD2); Otopalatodigital Syndrome, Type II. Identifiers: Orphanet 669, Orphanet 90652, MedGen C1844696, MONDO:0010571, OMIM 304120.
Melnick-Needles syndrome (MNS). Also called: OSTEODYSPLASTY OF MELNICK AND NEEDLES; Melnick-Needles Syndrome (FLNA-MNS); MELNICK-NEEDLES OSTEODYSPLASTY. Identifiers: Orphanet 2484, MedGen C0025237, MONDO:0010650, OMIM 309350.
Frontometaphyseal dysplasia (FMD1). Identifiers: Orphanet 1826, MedGen C0265293, MONDO:0015942.
Heterotopia, periventricular, X-linked dominant (PVNH1). Also called: PERIVENTRICULAR NODULAR HETEROTOPIA 4; HETEROTOPIA, PERIVENTRICULAR, 1; PERIVENTRICULAR NODULAR HETEROTOPIA 1; X-linked periventricular heterotopia. Identifiers: Orphanet 2149, Orphanet 82004, MedGen C1848213, MONDO:0010233, OMIM 300049.
FLNA-related disorder.
Aortic aneurysm, familial thoracic 2 (AAT2). Identifiers: MedGen C1846837, MONDO:0011770, OMIM 607087.
Familial thoracic aortic aneurysm and aortic dissection (TAAD). Also called: Thoracic aortic aneurysms and dissections. Identifiers: Orphanet 91387, MedGen C4707243, MONDO:0019625.

Allele frequency attached by ClinVar (database versions not stated): TOPMed 0.00014; ExAC 0.00015; gnomAD 0.00017 and 0.00018; gnomAD exomes 0.00018 and 0.00025; ESP Exome Variant Server 0.00020.
gnomAD v4.1: 287 of 1,209,514 alleles (0.024%); highest among the groups gnomAD compares: Non-Finnish European, 0.031%; no homozygotes.

Submissions (9):

Labcorp Genetics (formerly Invitae), Labcorp
Classification: Benign for Oto-palato-digital syndrome, type II; Heterotopia, periventricular, X-linked dominant; Frontometaphyseal dysplasia; Melnick-Needles syndrome. Last evaluated: 2026-01-27. Review status: criteria provided, single submitter. Criteria: Invitae Variant Classification Sherloc (09022015). Collection method: clinical testing. Allele origin: germline.

CeGaT Center for Human Genetics Tuebingen
Classification: Likely benign. Last evaluated: 2026-01-01. Review status: criteria provided, single submitter. Criteria: CeGaT Center For Human Genetics Tuebingen Variant Classification Criteria Version 2. Collection method: clinical testing. Allele origin: germline. Affected: yes. Observed: 2 variant alleles.
Comment: FLNA: BS2

Ambry Genetics
Classification: Likely benign for Familial thoracic aortic aneurysm and aortic dissection. Last evaluated: 2024-10-01. Review status: criteria provided, single submitter. Criteria: Ambry Variant Classification Scheme 2023. Collection method: clinical testing. Allele origin: germline.

Blueprint Genetics
Classification: Likely benign. Last evaluated: 2024-09-16. Review status: criteria provided, single submitter. Criteria: ACMG Guidelines, 2015. Collection method: clinical testing. Allele origin: germline.

ARUP Laboratories, Molecular Genetics and Genomics, ARUP Laboratories
Classification: Likely benign. Last evaluated: 2023-05-28. Review status: criteria provided, single submitter. Criteria: ARUP Molecular Germline Variant Investigation Process 2024. Collection method: clinical testing. Allele origin: germline.

Mayo Clinic Laboratories, Mayo Clinic
Classification: Uncertain significance. Last evaluated: 2022-08-25. Review status: criteria provided, single submitter. Criteria: ACMG Guidelines, 2015. Collection method: clinical testing. Allele origin: germline. Observed: 2 variant alleles.
Comment: BS1, PP2

GeneDx
Classification: Likely benign. Last evaluated: 2020-11-13. Review status: criteria provided, single submitter. Criteria: GeneDx Variant Classification Process June 2021. Collection method: clinical testing. Allele origin: germline. Affected: yes.

PreventionGenetics, part of Exact Sciences
Classification: Likely benign for FLNA-related condition. Last evaluated: 2019-12-10. Review status: no assertion criteria provided. Collection method: clinical testing. Allele origin: germline. Not counted in ClinVar's aggregate classification.
Comment: This variant is classified as likely benign based on ACMG/AMP sequence variant interpretation guidelines (Richards et al. 2015 PMID: 25741868, with internal and published modifications).

Clinical Molecular Genetics Laboratory, Johns Hopkins All Children's Hospital
Classification: Uncertain significance for Aortic aneurysm, familial thoracic 2. Last evaluated: 2016-05-17. Review status: no assertion criteria provided. Collection method: clinical testing. Allele origin: germline. Affected: yes. Not counted in ClinVar's aggregate classification.